The following is an entry in ClinVar:

ClinVar aggregate classification (germline): Benign/Likely benign. Review status: criteria provided, multiple submitters, no conflicts (2 of 4 stars). 3 submissions from 3 submitters: Benign (1); Likely benign (2). Last evaluated 2024-03-01.

Conditions:
Familial adenomatous polyposis 1 (FAP1). Also called: FAMILIAL ADENOMATOUS POLYPOSIS 1, ATTENUATED; POLYPOSIS, ADENOMATOUS INTESTINAL. Identifiers: MedGen C2713442, MONDO:0021056, OMIM 175100. Disease mechanism: loss of function.
Hereditary cancer-predisposing syndrome. Also called: Neoplastic Syndromes, Hereditary; Tumor predisposition; Hereditary Cancer Syndrome; Hereditary neoplastic syndrome. Identifiers: Orphanet 140162, MedGen C0027672, MeSH D009386, MONDO:0015356.

Allele frequency attached by ClinVar (database versions not stated): gnomAD exomes below 0.00001.
gnomAD v4.1: 3 of 1,613,992 alleles (0.00019%); highest among the groups gnomAD compares: South Asian, 0.0011%; no homozygotes.

Submissions (3):

Myriad Genetics, Inc.
Classification: Benign for Familial adenomatous polyposis 1. Last evaluated: 2024-03-01. Review status: criteria provided, single submitter. Criteria: Myriad Autosomal Dominant, Autosomal Recessive and X-Linked Classification Criteria (2023). Collection method: clinical testing. Allele origin: unknown.
Comment: This variant is considered benign. This variant is a silent/synonymous amino acid change and it is not expected to impact splicing.

Labcorp Genetics (formerly Invitae), Labcorp
Classification: Likely benign for Familial adenomatous polyposis 1. Last evaluated: 2022-04-23. Review status: criteria provided, single submitter. Criteria: Invitae Variant Classification Sherloc (09022015). Collection method: clinical testing. Allele origin: germline.

Ambry Genetics
Classification: Likely benign for Hereditary cancer-predisposing syndrome. Last evaluated: 2015-05-14. Review status: criteria provided, single submitter. Criteria: Ambry Variant Classification Scheme 2023. Collection method: clinical testing. Allele origin: germline.

NM_000038.6(APC):c.1179A>G (p.Ser393=)

Gene: APC (APC regulator of Wnt signaling pathway; plus strand). Cytogenetic location: 5q22.2.
Variant type: single nucleotide variant.
Coding change: c.1179A>G on transcript NM_000038.6 (MANE Select); coding-DNA position 1179, A replaced by G.
Protein change: p.Ser393=; no amino-acid change (serine 393 retained).
Molecular consequence: synonymous variant. On other transcripts: intron variant (4).
Genome position (GRCh38, 1-based): chr5:112,819,211, A>G. VCF-style: chr5-112819211-A-G. GRCh37 (hg19) VCF-style: chr5-112154908-A-G.
Other names: c.1179A>G, p.Ser393= (NM_001127510.3, NM_001354895.2, NM_001354896.2); c.1125A>G, p.Ser375= (NM_001127511.3); c.1209A>G, p.Ser403= (NM_001354897.2); c.1104A>G, p.Ser368= (NM_001354898.2); c.1095A>G, p.Ser365= (NM_001354899.2); c.1002A>G, p.Ser334= (NM_001354900.2, NM_001354901.2); c.330A>G, p.Ser110= (NM_001354906.2); c.964-58A>G (NM_001354902.2); and 3 more.
Identifiers: ClinVar variation 231848 (VCV000231848.13), dbSNP rs876659399, ClinGen allele CA10578308.
Genomic context (GRCh38, chr5:112,819,211, plus strand): 5'-CCGGGGCAGTAAAGAGGCTCGGGCCAGGGCCAGTGCAGCACTCCACAACATCATTCACTC[A>G]CAGCCTGATGACAAGAGAGGCAGGCGTGAAATCCGAGTCCTTCATCTTTTGGAACAGATA-3'
Protein context (NP_000029.2, residues 383-403): ASAALHNIIH[Ser393=]QPDDKRGRRE